The following is an entry in ClinVar:

NM_019888.3(MC3R):c.59A>T (p.His20Leu)

Gene: MC3R (melanocortin 3 receptor; plus strand). Cytogenetic location: 20q13.2.
Variant type: single nucleotide variant.
Coding change: c.59A>T on transcript NM_019888.3 (MANE Select); coding-DNA position 59, A replaced by T.
Protein change: p.His20Leu; replaces histidine 20 with leucine.
Molecular consequence: missense variant.
Genome position (GRCh38, 1-based): chr20:56,248,902, A>T. VCF-style: chr20-56248902-A-T. GRCh37 (hg19) VCF-style: chr20-54823958-A-T.
Other names: short protein forms H20L.
Identifiers: ClinVar variation 4982078 (VCV004982078.1).

ClinVar aggregate classification (germline): Uncertain significance (1 of 4 stars; one submission).

Conditions:
MC3R-related disorder. Also called: MC3R-related condition.

Submission:

PreventionGenetics, part of Exact Sciences
Classification: Uncertain significance for MC3R-related condition. Last evaluated: 2024-11-13. Review status: criteria provided, single submitter. Criteria: ACMG Guidelines, 2015. Collection method: clinical testing. Allele origin: germline.
Comment: The MC3R c.59A>T variant is predicted to result in the amino acid substitution p.His20Leu. To our knowledge, this variant has not been reported in the literature or in a large population database (gnomAD), indicating this variant is rare. At this time, the clinical significance of this variant is uncertain due to the absence of conclusive functional and genetic evidence.